The following is an entry in ClinVar:

ClinVar aggregate classification (germline): Uncertain significance. Review status: criteria provided, multiple submitters, no conflicts (2 of 4 stars). 2 submissions from 2 submitters: Uncertain significance (2). Last evaluated 2026-05-13.

Conditions:
SH2B1-related disorder. Also called: SH2B1-related condition.

gnomAD v4.1: 167 of 1,555,098 alleles (0.011%); highest among the groups gnomAD compares: Admixed American, 0.024%; no homozygotes.

Submissions (2):

PreventionGenetics, part of Exact Sciences
Classification: Uncertain significance for SH2B1-related condition. Last evaluated: 2026-05-13. Review status: criteria provided, single submitter. Criteria: ACMG Guidelines, 2015. Collection method: clinical testing. Allele origin: germline.
Comment: The SH2B1 c.2053G>A variant is predicted to result in the amino acid substitution p.Gly685Ser. To our knowledge, this variant has not been reported in the literature. This variant is reported in 0.020% of alleles in individuals of Latino descent in gnomAD. At this time, the clinical significance of this variant is uncertain due to the absence of conclusive functional and genetic evidence.

GeneDx
Classification: Uncertain significance. Last evaluated: 2023-06-13. Review status: criteria provided, single submitter. Criteria: GeneDx Variant Classification Process June 2021. Collection method: clinical testing. Allele origin: germline. Affected: yes.
Comment: In silico analysis supports that this missense variant does not alter protein structure/function; Has not been previously published as pathogenic or benign to our knowledge

NM_001387430.1(SH2B1):c.2053G>A (p.Gly685Ser)

Gene: SH2B1 (SH2B adaptor protein 1; plus strand). Cytogenetic location: 16p11.2.
Variant type: single nucleotide variant.
Coding change: c.2053G>A on transcript NM_001387430.1 (MANE Select); coding-DNA position 2053, G replaced by A.
Protein change: p.Gly685Ser; replaces glycine 685 with serine.
Molecular consequence: missense variant. On other transcripts: 3 prime UTR variant (5).
Genome position (GRCh38, 1-based): chr16:28,873,602, G>A. VCF-style: chr16-28873602-G-A. GRCh37 (hg19) VCF-style: chr16-28884923-G-A.
Other names: c.2053G>A, p.Gly685Ser (NM_001145795.2, NM_001308293.2, NM_001387404.1); c.*137G>A (NM_001145796.2, NM_001145812.2, NM_001308294.2 and 1 more transcripts); c.*154G>A (NM_001145797.2); short protein forms G685S.
Identifiers: ClinVar variation 3351371 (VCV003351371.3).